The following is an entry in ClinVar:

NM_001324418.2(ADAM22):c.1567-4C>T

Gene: ADAM22 (ADAM metallopeptidase domain 22; plus strand). Cytogenetic location: 7q21.12.
Variant type: single nucleotide variant.
Coding change: c.1567-4C>T on transcript NM_001324418.2 (MANE Select); 4 bases into the intron before coding-DNA position 1567, C replaced by T.
Molecular consequence: intron variant.
Genome position (GRCh38, 1-based): chr7:88,150,977, C>T. VCF-style: chr7-88150977-C-T. GRCh37 (hg19) VCF-style: chr7-87780292-C-T.
Other names: c.1618-4C>T (NM_001391975.1, NM_001391980.1); c.1543-4C>T (NM_001391982.1); c.1567-4C>T (NM_001324420.2, NM_001391976.1, NM_021723.5 and 6 more transcripts); c.1564-4C>T (NM_001324419.2, NM_001391979.1, NM_001391978.1 and 2 more transcripts).
Identifiers: ClinVar variation 3033508 (VCV003033508.4), dbSNP rs201112125, ClinGen allele CA4330588.

ClinVar aggregate classification (germline): Likely benign. Review status: criteria provided, multiple submitters, no conflicts (2 of 4 stars). 3 submissions from 3 submitters: Likely benign (2). 1 of the submissions does not count toward it. Last evaluated 2024-11-26.

Conditions:
ADAM22-related disorder. Also called: ADAM22-related condition.

Allele frequency attached by ClinVar (database versions not stated): gnomAD 0.00022; TOPMed 0.00026; ESP Exome Variant Server 0.00034; gnomAD exomes 0.00047; ExAC 0.00077.
gnomAD v4.1: 713 of 1,612,308 alleles (0.044%); highest among the groups gnomAD compares: Non-Finnish European, 0.056%; 1 homozygote.

Submissions (3):

Blueprint Genetics
Classification: Likely benign. Last evaluated: 2024-11-26. Review status: criteria provided, single submitter. Criteria: ACMG Guidelines, 2015. Collection method: clinical testing. Allele origin: germline.

Breakthrough Genomics
Classification: Likely benign. Review status: criteria provided, single submitter. Criteria: ACMG Guidelines, 2015. Collection method: not provided. Allele origin: germline. Inheritance: Autosomal recessive inheritance. Affected: yes.

PreventionGenetics, part of Exact Sciences
Classification: Likely benign for ADAM22-related condition. Last evaluated: 2019-06-13. Review status: no assertion criteria provided. Collection method: clinical testing. Allele origin: germline. Not counted in ClinVar's aggregate classification.
Comment: This variant is classified as likely benign based on ACMG/AMP sequence variant interpretation guidelines (Richards et al. 2015 PMID: 25741868, with internal and published modifications).